The following is an entry in ClinVar:

NM_000179.3(MSH6):c.627+20C>T

Gene: MSH6 (mutS homolog 6; plus strand). Cytogenetic location: 2p16.3.
Variant type: single nucleotide variant.
Coding change: c.627+20C>T on transcript NM_000179.3 (MANE Select); 20 bases into the intron after coding-DNA position 627, C replaced by T.
Molecular consequence: intron variant.
Genome position (GRCh38, 1-based): chr2:47,796,083, C>T. VCF-style: chr2-47796083-C-T. GRCh37 (hg19) VCF-style: chr2-48023222-C-T.
Other names: c.-279-2528C>T (NM_001281493.2); c.238-2528C>T (NM_001281492.2); c.-276+20C>T (NM_001281494.2).
Identifiers: ClinVar variation 491983 (VCV000491983.11), dbSNP rs376929025, ClinGen allele CA073180.

ClinVar aggregate classification (germline): Likely benign. Review status: criteria provided, multiple submitters, no conflicts (2 of 4 stars). 3 submissions from 3 submitters: Likely benign (3). Last evaluated 2026-01-27.

Conditions:
Hereditary nonpolyposis colorectal neoplasms. Identifiers: MedGen C0009405, MeSH D003123.
Hereditary cancer-predisposing syndrome. Also called: Hereditary neoplastic syndrome; Tumor predisposition; Hereditary Cancer Syndrome; Neoplastic Syndromes, Hereditary. Identifiers: Orphanet 140162, MedGen C0027672, MeSH D009386, MONDO:0015356.

Allele frequency attached by ClinVar (database versions not stated): ExAC 0.00002; gnomAD 0.00002; TOPMed 0.00002; ESP Exome Variant Server 0.00008.
gnomAD v4.1: 8 of 1,613,220 alleles (0.0005%); highest among the groups gnomAD compares: African/African-American, 0.0054%; no homozygotes.

Submissions (3):

Labcorp Genetics (formerly Invitae), Labcorp
Classification: Likely benign for Hereditary nonpolyposis colorectal neoplasms. Last evaluated: 2026-01-27. Review status: criteria provided, single submitter. Criteria: Invitae Variant Classification Sherloc (09022015). Collection method: clinical testing. Allele origin: germline.

GeneDx
Classification: Likely benign. Last evaluated: 2017-07-19. Review status: criteria provided, single submitter. Criteria: GeneDx Variant Classification (06012015). Collection method: clinical testing. Allele origin: germline. Affected: yes.
Comment: This variant is considered likely benign or benign based on one or more of the following criteria: it is a conservative change, it occurs at a poorly conserved position in the protein, it is predicted to be benign by multiple in silico algorithms, and/or has population frequency not consistent with disease.

Color Diagnostics, LLC DBA Color Health
Classification: Likely benign for Hereditary cancer-predisposing syndrome. Last evaluated: 2015-04-07. Review status: criteria provided, single submitter. Criteria: ACMG Guidelines, 2015. Collection method: clinical testing. Allele origin: germline.